The following is an entry in ClinVar:

ClinVar aggregate classification (germline): Benign. Review status: criteria provided, multiple submitters, no conflicts (2 of 4 stars). 2 submissions from 2 submitters: Benign (2). Last evaluated 2018-01-12.

Conditions:
Thyroid hormone resistance, generalized, autosomal dominant (GRTHD). Also called: HYPERTHYROXINEMIA, FAMILIAL EUTHYROID, SECONDARY TO PITUITARY AND PERIPHERAL RESISTANCE TO THYROID HORMONES. Identifiers: MedGen C2937288, MONDO:0008569, OMIM 188570.

Allele frequency attached by ClinVar (database versions not stated): TOPMed 0.11394; gnomAD 0.11410 and 0.11733; 1000 Genomes Project 0.11601; 1000 Genomes Project 30x 0.11821.

Submissions (2):

Illumina Laboratory Services, Illumina
Classification: Benign for Thyroid hormone resistance, generalized, autosomal dominant. Last evaluated: 2018-01-12. Review status: criteria provided, single submitter. Criteria: ICSL Variant Classification Criteria 13 December 2019. Collection method: clinical testing. Allele origin: germline.
Comment: This variant was observed in the ICSL laboratory as part of a predisposition screen in an ostensibly healthy population. It had not been previously curated by ICSL or reported in the Human Gene Mutation Database (HGMD: prior to June 1st, 2018), and was therefore a candidate for classification through an automated scoring system. Utilizing variant allele frequency, disease prevalence and penetrance estimates, and inheritance mode, an automated score was calculated to assess if this variant is too frequent to cause the disease. Based on the score and internal cut-off values, a variant classified as benign is not then subjected to further curation. The score for this variant resulted in a classification of benign for this disease.

Breakthrough Genomics
Classification: Benign. Review status: criteria provided, single submitter. Criteria: ACMG Guidelines, 2015. Collection method: not provided. Allele origin: germline. Inheritance: Autosomal recessive inheritance. Affected: yes.

NM_001354712.2(THRB):c.*5352C>T

Gene: THRB (thyroid hormone receptor beta; minus strand). Cytogenetic location: 3p24.2.
Variant type: single nucleotide variant.
Coding change: c.*5352C>T on transcript NM_001354712.2 (MANE Select); 5352 bases downstream of the stop codon, C replaced by T.
Molecular consequence: 3 prime UTR variant.
Genome position (GRCh38, 1-based): chr3:24,117,532, G>A on the plus strand (C>T on the coding strand, the complement: THRB is on the minus strand). VCF-style: chr3-24117532-G-A. GRCh37 (hg19) VCF-style: chr3-24159023-G-A.
Other names: c.*5352C>T (NM_000461.5, NM_001128176.3, NM_001128177.2 and 8 more transcripts).
Identifiers: ClinVar variation 344538 (VCV000344538.6), dbSNP rs56204436, ClinGen allele CA10618296.